The following is an entry in ClinVar:

ClinVar aggregate classification (germline): Uncertain significance. Review status: criteria provided, multiple submitters, no conflicts (2 of 4 stars). 2 submissions from 2 submitters: Uncertain significance (2). Last evaluated 2025-04-24.

Conditions:
Myopathy, centronuclear, 5 (CNM5). Identifiers: Orphanet 169186, MedGen C4014814, MONDO:0014418, OMIM 615959.

Allele frequency attached by ClinVar (database versions not stated): gnomAD exomes 0.00006; ExAC 0.00029.
gnomAD v4.1: 104 of 1,550,372 alleles (0.0067%); highest among the groups gnomAD compares: East Asian, 0.11%; no homozygotes.

Submissions (2):

Revvity Omics, Revvity
Classification: Uncertain significance for Myopathy, centronuclear, 5. Last evaluated: 2025-04-24. Review status: criteria provided, single submitter. Criteria: ACMG Guidelines, 2015. Collection method: clinical testing. Allele origin: germline.

Labcorp Genetics (formerly Invitae), Labcorp
Classification: Uncertain significance. Last evaluated: 2022-03-04. Review status: criteria provided, single submitter. Criteria: Invitae Variant Classification Sherloc (09022015). Collection method: clinical testing. Allele origin: germline.
Comment: This sequence change replaces proline, which is neutral and non-polar, with serine, which is neutral and polar, at codon 2102 of the SPEG protein (p.Pro2102Ser). This variant is present in population databases (rs766934083, gnomAD 0.05%). This variant has not been reported in the literature in individuals affected with SPEG-related conditions. Algorithms developed to predict the effect of missense changes on protein structure and function are either unavailable or do not agree on the potential impact of this missense change (SIFT: "Deleterious"; PolyPhen-2: "Benign"; Align-GVGD: "Class C0"). In summary, the available evidence is currently insufficient to determine the role of this variant in disease. Therefore, it has been classified as a Variant of Uncertain Significance.

NM_005876.5(SPEG):c.6304C>T (p.Pro2102Ser)

Genes: ASIC4-AS1 (ASIC4 antisense RNA 1; minus strand), SPEG (striated muscle enriched protein kinase; plus strand). Cytogenetic location: 2q35.
Variant type: single nucleotide variant.
Coding change: c.6304C>T on transcript NM_005876.5 (MANE Select); coding-DNA position 6304, C replaced by T.
Protein change: p.Pro2102Ser; replaces proline 2102 with serine.
Molecular consequence: missense variant.
Genome position (GRCh38, 1-based): chr2:219,483,767, C>T. VCF-style: chr2-219483767-C-T. GRCh37 (hg19) VCF-style: chr2-220348489-C-T.
Other names: short protein forms P2102S.
Identifiers: ClinVar variation 1934617 (VCV001934617.3), dbSNP rs766934083, ClinGen allele CA2127015.